The following is an entry in ClinVar:

NC_000023.10:g.(595562_601555)_(612320_?)del

Gene: SHOX (SHOX homeobox; plus strand). Cytogenetic location: Xp22.33.
Variant type: Deletion.
Identifiers: ClinVar variation 4535998 (VCV004535998.1).

ClinVar aggregate classification (germline): Pathogenic (1 of 4 stars; one submission).

Conditions:
Langer mesomelic dysplasia syndrome (LMD). Also called: DYSCHONDROSTEOSIS, HOMOZYGOUS; Langer mesomelic dysplasia. Identifiers: Orphanet 2632, MedGen C0432230, MONDO:0009588, OMIM 249700.

Submission:

Women's Health and Genetics/Laboratory Corporation of America, LabCorp
Classification: Pathogenic for Langer mesomelic dysplasia syndrome. Last evaluated: 2025-09-24. Review status: criteria provided, single submitter. Criteria: LabCorp Variant Classification Summary - May 2015. Collection method: clinical testing. Allele origin: germline.
Comment: Variant summary: The variant involves the deletion of exons 3-5 in the SHOX gene in transcript NM_000451.4 (also known as exons 4-6 in transcript NM_000451.3). A presumed nomenclature of c.(486+1_487-1)_(*6949_?)del has been designated for the purposes of this classification. The exact breakpoint at the distal 3' end of this variant is unknown, therefore this deletion may extend downstream of the annotated region of the gene. As it encompasses the termination codon, it is predicted to escape nonsense mediated decay (NMD). Loss-of-function variants in this gene are known to be pathogenic. The variant was absent in 20642 control chromosomes. Although c.(486+1_487-1)_(*6949_?)del has not, to our knowledge, been observed in individuals affected with Langer Mesomelic Dysplasia or Leri-Weill Dyschondrosteosis, similar deletions have been reported in individuals affected with SHOX-related disorders (e.g. Funari_2008, Bunyan_2012). To our knowledge, no experimental evidence demonstrating an impact on protein function has been reported. However, pathogenic/likely pathogenic variants located within the deleted region indicate its importance to SHOX function. No submitters have cited clinical-significance assessments for this variant to ClinVar. Based on the evidence outlined above, the variant was classified as pathogenic.